The following is an entry in ClinVar:

NM_001142864.4(PIEZO1):c.5112C>T (p.Ser1704=)

Gene: PIEZO1 (piezo type mechanosensitive ion channel component 1 (Er blood group); minus strand). Cytogenetic location: 16q24.3.
Variant type: single nucleotide variant.
Coding change: c.5112C>T on transcript NM_001142864.4 (MANE Select); coding-DNA position 5112, C replaced by T.
Protein change: p.Ser1704=; no amino-acid change (serine 1704 retained).
Molecular consequence: synonymous variant.
Genome position (GRCh38, 1-based): chr16:88,721,910, G>A on the plus strand (C>T on the coding strand, the complement: PIEZO1 is on the minus strand). VCF-style: chr16-88721910-G-A. GRCh37 (hg19) VCF-style: chr16-88788318-G-A.
Other names: p.Ser1704=.
Identifiers: ClinVar variation 750373 (VCV000750373.31), dbSNP rs374215951, ClinGen allele CA8231959.

ClinVar aggregate classification (germline): Likely benign. Review status: criteria provided, multiple submitters, no conflicts (2 of 4 stars). 3 submissions from 3 submitters: Likely benign (3). Last evaluated 2025-06-18.

Allele frequency attached by ClinVar (database versions not stated): ExAC 0.00006; 1000 Genomes Project 0.00020; gnomAD 0.00020 and 0.00021; gnomAD exomes 0.00020 and 0.00028; ESP Exome Variant Server 0.00022; TOPMed 0.00023; 1000 Genomes Project 30x 0.00031.
gnomAD v4.1: 418 of 1,550,196 alleles (0.027%); highest among the groups gnomAD compares: Middle Eastern, 0.05%; no homozygotes.

Submissions (3):

Labcorp Genetics (formerly Invitae), Labcorp
Classification: Likely benign. Last evaluated: 2025-06-18. Review status: criteria provided, single submitter. Criteria: Invitae Variant Classification Sherloc (09022015). Collection method: clinical testing. Allele origin: germline.

Mayo Clinic Laboratories, Mayo Clinic
Classification: Likely benign. Last evaluated: 2024-09-27. Review status: criteria provided, single submitter. Criteria: ACMG Guidelines, 2015. Collection method: clinical testing. Allele origin: germline. Observed: 3 variant alleles.
Comment: BP4, BP7

CeGaT Center for Human Genetics Tuebingen
Classification: Likely benign. Last evaluated: 2023-01-01. Review status: criteria provided, single submitter. Criteria: CeGaT Center For Human Genetics Tuebingen Variant Classification Criteria Version 2. Collection method: clinical testing. Allele origin: germline. Affected: yes. Observed: 1 variant allele.
Comment: PIEZO1: BP4, BP7